The following is an entry in ClinVar:

ClinVar aggregate classification (germline): Uncertain significance (1 of 4 stars; one submission).

Conditions:
Perlman syndrome (PRLMNS). Identifiers: Orphanet 2849, MedGen C0796113, MONDO:0009965, OMIM 267000.

Submission:

Labcorp Genetics (formerly Invitae), Labcorp
Classification: Uncertain significance for Perlman syndrome. Last evaluated: 2023-12-20. Review status: criteria provided, single submitter. Criteria: Invitae Variant Classification Sherloc (09022015). Collection method: clinical testing. Allele origin: germline.
Comment: This sequence change replaces serine, which is neutral and polar, with arginine, which is basic and polar, at codon 322 of the DIS3L2 protein (p.Ser322Arg). This variant is not present in population databases (gnomAD no frequency). This variant has not been reported in the literature in individuals affected with DIS3L2-related conditions. ClinVar contains an entry for this variant (Variation ID: 2154282). Advanced modeling of protein sequence and biophysical properties (such as structural, functional, and spatial information, amino acid conservation, physicochemical variation, residue mobility, and thermodynamic stability) performed at Invitae indicates that this missense variant is not expected to disrupt DIS3L2 protein function with a negative predictive value of 80%. In summary, the available evidence is currently insufficient to determine the role of this variant in disease. Therefore, it has been classified as a Variant of Uncertain Significance.

NM_152383.5(DIS3L2):c.964A>C (p.Ser322Arg)

Gene: DIS3L2 (DIS3 like 3'-5' exoribonuclease 2; plus strand). Cytogenetic location: 2q37.1.
Variant type: single nucleotide variant.
Coding change: c.964A>C on transcript NM_152383.5 (MANE Select); coding-DNA position 964, A replaced by C.
Protein change: p.Ser322Arg; replaces serine 322 with arginine.
Molecular consequence: missense variant. On other transcripts: non-coding transcript variant (2).
Genome position (GRCh38, 1-based): chr2:232,163,472, A>C. VCF-style: chr2-232163472-A-C. GRCh37 (hg19) VCF-style: chr2-233028182-A-C.
Other names: c.964A>C, p.Ser322Arg (NM_001257281.2); short protein forms S322R.
Identifiers: ClinVar variation 2154282 (VCV002154282.4), dbSNP rs752637406, ClinGen allele CA351154181.